The following is an entry in ClinVar:

ClinVar aggregate classification (germline): Uncertain significance. Review status: criteria provided, multiple submitters, no conflicts (2 of 4 stars). 3 submissions from 3 submitters: Uncertain significance (3). Last evaluated 2024-07-23.

Conditions:
Mitochondrial complex II deficiency, nuclear type 1. Also called: SUCCINATE CoQ REDUCTASE DEFICIENCY. Identifiers: Orphanet 3208, MedGen C5700310, MONDO:0100294, OMIM 252011.
Pheochromocytoma/paraganglioma syndrome 5. Also called: Paragangliomas 5; SDHA-Related Hereditary Paraganglioma-Pheochromocytoma Syndrome. Identifiers: Orphanet 29072, MedGen C3279992, MONDO:0013602, OMIM 614165.
Hereditary cancer-predisposing syndrome. Also called: Neoplastic Syndromes, Hereditary; Tumor predisposition; Hereditary Cancer Syndrome; Hereditary neoplastic syndrome. Identifiers: Orphanet 140162, MedGen C0027672, MeSH D009386, MONDO:0015356.

Submissions (3):

Labcorp Genetics (formerly Invitae), Labcorp
Classification: Uncertain significance for Pheochromocytoma/paraganglioma syndrome 5; Mitochondrial complex II deficiency, nuclear type 1. Last evaluated: 2024-07-23. Review status: criteria provided, single submitter. Criteria: Invitae Variant Classification Sherloc (09022015). Collection method: clinical testing. Allele origin: germline.
Comment: This sequence change replaces tyrosine, which is neutral and polar, with histidine, which is basic and polar, at codon 169 of the SDHA protein (p.Tyr169His). This variant is not present in population databases (gnomAD no frequency). This variant has not been reported in the literature in individuals affected with SDHA-related conditions. ClinVar contains an entry for this variant (Variation ID: 539678). Advanced modeling of protein sequence and biophysical properties (such as structural, functional, and spatial information, amino acid conservation, physicochemical variation, residue mobility, and thermodynamic stability) has been performed at Invitae for this missense variant, however the output from this modeling did not meet the statistical confidence thresholds required to predict the impact of this variant on SDHA protein function. In summary, the available evidence is currently insufficient to determine the role of this variant in disease. Therefore, it has been classified as a Variant of Uncertain Significance.

Blueprint Genetics
Classification: Uncertain significance. Last evaluated: 2023-11-16. Review status: criteria provided, single submitter. Criteria: ACMG Guidelines, 2015. Collection method: clinical testing. Allele origin: germline.

Ambry Genetics
Classification: Uncertain significance for Hereditary cancer-predisposing syndrome. Last evaluated: 2023-01-17. Review status: criteria provided, single submitter. Criteria: Ambry Variant Classification Scheme 2023. Collection method: clinical testing. Allele origin: germline.
Comment: The p.Y169H variant (also known as c.505T>C), located in coding exon 5 of the SDHA gene, results from a T to C substitution at nucleotide position 505. The tyrosine at codon 169 is replaced by histidine, an amino acid with similar properties. This amino acid position is highly conserved in available vertebrate species. In addition, this alteration is predicted to be deleterious by in silico analysis. Since supporting evidence is limited at this time, the clinical significance of this alteration remains unclear.

NM_004168.4(SDHA):c.505T>C (p.Tyr169His)

Gene: SDHA (succinate dehydrogenase complex flavoprotein subunit A; plus strand). Cytogenetic location: 5p15.33.
Variant type: single nucleotide variant.
Coding change: c.505T>C on transcript NM_004168.4 (MANE Select); coding-DNA position 505, T replaced by C.
Protein change: p.Tyr169His; replaces tyrosine 169 with histidine.
Molecular consequence: missense variant.
Genome position (GRCh38, 1-based): chr5:225,931, T>C. VCF-style: chr5-225931-T-C. GRCh37 (hg19) VCF-style: chr5-226046-T-C.
Other names: c.361T>C, p.Tyr121His (NM_001294332.2); c.505T>C, p.Tyr169His (NM_001330758.2); short protein forms Y169H, Y121H.
Identifiers: ClinVar variation 539678 (VCV000539678.12), dbSNP rs1553997754, ClinGen allele CA359010071.